The following is an entry in ClinVar:

NM_000188.3(HK1):c.256G>T (p.Gly86Cys)

Gene: HK1 (hexokinase 1; plus strand). Cytogenetic location: 10q22.1.
Variant type: single nucleotide variant.
Coding change: c.256G>T on transcript NM_000188.3 (MANE Select); coding-DNA position 256, G replaced by T.
Protein change: p.Gly86Cys; replaces glycine 86 with cysteine.
Molecular consequence: missense variant. On other transcripts: 5 prime UTR variant (3), non-coding transcript variant (2), intron variant (1).
Genome position (GRCh38, 1-based): chr10:69,359,926, G>T. VCF-style: chr10-69359926-G-T. GRCh37 (hg19) VCF-style: chr10-71119682-G-T.
Other names: c.268G>T, p.Gly90Cys (NM_001322364.2, NM_001358263.1, NM_033497.3 and 1 more transcripts); c.361G>T, p.Gly121Cys (NM_001322365.2); c.172G>T, p.Gly58Cys (NM_001322366.1, NM_001441143.1); c.256G>T, p.Gly86Cys (NM_001322367.1, NM_001441139.1, NM_001441141.1 and 5 more transcripts); c.247G>T, p.Gly83Cys (NM_001441140.1); c.214G>T, p.Gly72Cys (NM_001441142.1); c.34G>T, p.Gly12Cys (NM_001441147.1); c.-149G>T (NM_001441151.1); and 5 more; short protein forms G121C, G12C, G58C, G72C, G74C, G83C, G85C, G86C.
Identifiers: ClinVar variation 4886805 (VCV004886805.1), dbSNP rs1377477513.
Genomic context (GRCh38, chr10:69,359,926, plus strand): 5'-CTCATGTGATACCTGTTGTCTCCCTAAACAGAAAAGGGAGATTTCATTGCCCTGGATCTT[G>T]GTGGGTCTTCCTTTCGAATTCTGCGGGTGCAAGTGAATCATGAGAAAAACCAGAATGTTC-3'
Protein context (NP_000179.2, residues 76-96): EKGDFIALDL[Gly86Cys]GSSFRILRVQ

ClinVar aggregate classification (germline): Uncertain significance (0 of 4 stars; one submission).

gnomAD v4.1: 5 of 1,614,026 alleles (0.00031%); highest among the groups gnomAD compares: Non-Finnish European, 0.00042%; no homozygotes.

Submission:

Diagnostics Centre, Carl Von Ossietzky University Oldenburg
Classification: Uncertain significance. Last evaluated: 2026-01-15. Review status: no assertion criteria provided. Collection method: clinical testing. Allele origin: germline. Affected: yes. Observed: 1 variant allele.
Comment: The variant NM_000188.3 (HK1): c.256G>T p.(Gly86Cys) located in the exon 3 of the HK1 gene results from a guanine-to-thymine substitution at nucleotide position c.256. The glycine at protein position 86 is replaced by a thymine. Missense variants in this gene or the affected region are a known disease mechanism and are rare in the general population. The affected protein region has significant levels of missense constrain. In silico tools predict a severe deleterious effect in the protein structure/function (REVEL score = 0.81). The variant has not previously been reported in ClinVar or in any known publications.The variant is classified as rare in the general population (MAF 3.1* e-6 in gnomAD). In summary, this variant is classified as a variant of uncertain significance.